The following is an entry in ClinVar:

ClinVar aggregate classification (germline): Uncertain significance. Review status: criteria provided, multiple submitters, no conflicts (2 of 4 stars). 2 submissions from 2 submitters: Uncertain significance (2). Last evaluated 2024-08-06.

Conditions:
Inborn genetic diseases. Identifiers: MedGen C0950123, MeSH D030342.

Allele frequency attached by ClinVar (database versions not stated): gnomAD exomes below 0.00001 and 0.00001; gnomAD 0.00001; TOPMed 0.00002.
gnomAD v4.1: 11 of 1,614,042 alleles (0.00068%); highest among the groups gnomAD compares: Non-Finnish European, 0.00085%; no homozygotes.

Submissions (2):

Labcorp Genetics (formerly Invitae), Labcorp
Classification: Uncertain significance. Last evaluated: 2024-08-06. Review status: criteria provided, single submitter. Criteria: Invitae Variant Classification Sherloc (09022015). Collection method: clinical testing. Allele origin: germline.
Comment: This sequence change replaces arginine, which is basic and polar, with cysteine, which is neutral and slightly polar, at codon 424 of the LONP1 protein (p.Arg424Cys). This variant is present in population databases (no rsID available, gnomAD 0.0009%). This variant has not been reported in the literature in individuals affected with LONP1-related conditions. ClinVar contains an entry for this variant (Variation ID: 1487535). Advanced modeling of protein sequence and biophysical properties (such as structural, functional, and spatial information, amino acid conservation, physicochemical variation, residue mobility, and thermodynamic stability) performed at Invitae indicates that this missense variant is expected to disrupt LONP1 protein function with a positive predictive value of 80%. In summary, the available evidence is currently insufficient to determine the role of this variant in disease. Therefore, it has been classified as a Variant of Uncertain Significance.

Ambry Genetics
Classification: Uncertain significance for Inborn genetic diseases. Last evaluated: 2022-08-17. Review status: criteria provided, single submitter. Criteria: Ambry Variant Classification Scheme 2023. Collection method: clinical testing. Allele origin: germline.

NM_004793.4(LONP1):c.1270C>T (p.Arg424Cys)

Gene: LONP1 (lon peptidase 1, mitochondrial; minus strand). Cytogenetic location: 19p13.3.
Variant type: single nucleotide variant.
Coding change: c.1270C>T on transcript NM_004793.4 (MANE Select); coding-DNA position 1270, C replaced by T.
Protein change: p.Arg424Cys; replaces arginine 424 with cysteine.
Molecular consequence: missense variant. On other transcripts: non-coding transcript variant (1).
Genome position (GRCh38, 1-based): chr19:5,705,869, G>A on the plus strand (C>T on the coding strand, the complement: LONP1 is on the minus strand). VCF-style: chr19-5705869-G-A. GRCh37 (hg19) VCF-style: chr19-5705880-G-A.
Other names: c.1270C>T (NM_004793.2); c.1078C>T, p.Arg360Cys (NM_001276479.2); c.682C>T, p.Arg228Cys (NM_001276480.1); short protein forms R228C, R424C, R360C.
Identifiers: ClinVar variation 1487535 (VCV001487535.9), dbSNP rs1037684027, ClinGen allele CA304627527.